The following is an entry in ClinVar:

NM_000533.5(PLP1):c.446C>T (p.Pro149Leu)

Genes: PLP1 (proteolipid protein 1; plus strand), RAB9B (RAB9B, member RAS oncogene family; minus strand). Cytogenetic location: Xq22.2.
Variant type: single nucleotide variant.
Coding change: c.446C>T on transcript NM_000533.5 (MANE Select); coding-DNA position 446, C replaced by T.
Protein change: p.Pro149Leu; replaces proline 149 with leucine.
Molecular consequence: missense variant. On other transcripts: intron variant (1).
Genome position (GRCh38, 1-based): chrX:103,786,719, C>T. VCF-style: chrX-103786719-C-T. GRCh37 (hg19) VCF-style: chrX-103041648-C-T.
Other names: c.446C>T, p.Pro149Leu (NM_001128834.3); c.281C>T, p.Pro94Leu (NM_001305004.1); c.348+98C>T (NM_199478.3); short protein forms P149L, P94L.
Identifiers: ClinVar variation 2138676 (VCV002138676.6), dbSNP rs2522308686, ClinGen allele CA414102962.
Genomic context (GRCh38, chrX:103,786,719, plus strand): 5'-AACATCAAGCTCATTCTTTGGAGCGGGTGTGTCATTGTTTGGGAAAATGGCTAGGACATC[C>T]CGACAAGGTGATCATCCTCAGGATTTTGTGGCAATAACAAGGGGTGGGGGAAAATTGGGC-3'
Protein context (NP_000524.3, residues 139-159): CHCLGKWLGH[Pro149Leu]DKFVGITYAL

ClinVar aggregate classification (germline): Uncertain significance. Review status: criteria provided, multiple submitters, no conflicts (2 of 4 stars). 2 submissions from 2 submitters: Uncertain significance (2). Last evaluated 2022-05-30.

Conditions:
Pelizaeus-Merzbacher disease. Also called: LEUKODYSTROPHY, HYPOMYELINATING, 1; Sudanophilic leukodystrophy; Pelizeaus-Merzbacher spectrum disorder; Pelizaeus-Merzbacher spectrum disorder; Pelizaeus-Merzbacher Disease (PMD). Identifiers: Orphanet 702, MedGen C0205711, MONDO:0010714, OMIM 312080, HP:0003269.
Hereditary spastic paraplegia 2 (SPG2). Also called: SPASTIC PARAPLEGIA 2, X-LINKED; Spastic Paraplegia 2 (SPG2). Identifiers: Orphanet 99015, MedGen C0751604, MONDO:0010733, OMIM 312920.

Submissions (2):

Labcorp Genetics (formerly Invitae), Labcorp
Classification: Uncertain significance for Hereditary spastic paraplegia 2. Last evaluated: 2022-05-30. Review status: criteria provided, single submitter. Criteria: Invitae Variant Classification Sherloc (09022015). Collection method: clinical testing. Allele origin: germline.
Comment: In summary, the available evidence is currently insufficient to determine the role of this variant in disease. Therefore, it has been classified as a Variant of Uncertain Significance. Algorithms developed to predict the effect of missense changes on protein structure and function are either unavailable or do not agree on the potential impact of this missense change (SIFT: "Not Available"; PolyPhen-2: "Benign"; Align-GVGD: "Not Available"). This variant has not been reported in the literature in individuals affected with PLP1-related conditions. This variant is not present in population databases (gnomAD no frequency). This sequence change replaces proline, which is neutral and non-polar, with leucine, which is neutral and non-polar, at codon 149 of the PLP1 protein (p.Pro149Leu).

Molecular Diagnostics Lab, Nemours Children's Health, Delaware
Classification: Uncertain significance for Pelizaeus-Merzbacher disease. Last evaluated: 2021-12-03. Review status: criteria provided, single submitter. Criteria: ACMG Guidelines, 2015. Collection method: clinical testing. Allele origin: unknown. Inheritance: X-linked inheritance. Affected: yes. Observed: 1 hemizygote.
Comment: This missense variant (c.446C>T, p.Pro149Leu) has not been observed in population databases (gnomAD). It has not been described in the literature. Although variant prediction programs suggest a deleterious effect on the PLP1 protein, there is insufficient evidence available to provide a classification other than uncertain significance for this variant.